The following is an entry in ClinVar:

NM_003060.4(SLC22A5):c.2T>C (p.Met1Thr)

Gene: SLC22A5 (solute carrier family 22 member 5; plus strand). Cytogenetic location: 5q31.1.
Variant type: single nucleotide variant.
Coding change: c.2T>C on transcript NM_003060.4 (MANE Select); coding-DNA position 2, T replaced by C.
Protein change: p.Met1Thr; changes the start codon (methionine 1).
Molecular consequence: missense variant, initiator codon variant.
Genome position (GRCh38, 1-based): chr5:132,369,974, T>C. VCF-style: chr5-132369974-T-C. GRCh37 (hg19) VCF-style: chr5-131705666-T-C.
Other names: c.2T>C (NM_003060.3); c.2T>C, p.Met1Thr (NM_001308122.2); short protein forms M1T.
Identifiers: ClinVar variation 1071451 (VCV001071451.10), dbSNP rs1554085885, ClinGen allele CA360802180.
Genomic context (GRCh38, chr5:132,369,974, plus strand): 5'-CGCAAAGCCCGCCGCGTTCCCCGACCCCAGGCCGCGCTCTGTGGGCCTCTGAGGGCGGCA[T>C]GCGGGACTACGACGAGGTGACCGCCTTCCTGGGCGAGTGGGGGCCCTTCCAGCGCCTCAT-3'
Protein context (NP_003051.1, residues 1-11): [Met1Thr]RDYDEVTAFL

ClinVar aggregate classification (germline): Pathogenic/Likely pathogenic. Review status: criteria provided, multiple submitters, no conflicts (2 of 4 stars). 2 submissions from 2 submitters: Pathogenic (1); Likely pathogenic (1). Last evaluated 2024-10-17.

Conditions:
Renal carnitine transport defect (CDSP). Also called: Systemic primary carnitine deficiency; Carnitine transporter deficiency; Systemic primary carnitine deficiency disease; CARNITINE DEFICIENCY, SYSTEMIC, DUE TO DEFECT IN RENAL REABSORPTION OF CARNITINE; Primary carnitine deficiency; CARNITINE TRANSPORTER, PLASMA-MEMBRANE, DEFICIENCY OF. Identifiers: Orphanet 158, MedGen C0342788, MONDO:0008919, OMIM 212140.
Carnitine deficiency. Identifiers: MedGen C1142132.

Submissions (2):

Natera, Inc.
Classification: Likely pathogenic for Carnitine deficiency. Last evaluated: 2024-10-17. Review status: criteria provided, single submitter. Criteria: Natera Variant Classification Schema (03/2026). Collection method: clinical testing. Allele origin: germline.
Comment: The c.2T>C variant in SLC22A5 is predicted to result in start loss due to disruption of the initiator methionine. This variant is expected to result in nonsense mediated decay, truncation, or a dysfunctional protein product. This variant is rare in the general population with a frequency below the threshold expected for the associated phenotype(s). Given the available evidence, this variant is classified as Likely Pathogenic.

Labcorp Genetics (formerly Invitae), Labcorp
Classification: Pathogenic for Renal carnitine transport defect. Last evaluated: 2024-02-18. Review status: criteria provided, single submitter. Criteria: Invitae Variant Classification Sherloc (09022015). Collection method: clinical testing. Allele origin: germline.
Comment: This sequence change affects the initiator methionine of the SLC22A5 mRNA. The next in-frame methionine is located at codon 177. This variant is not present in population databases (gnomAD no frequency). Disruption of the initiator codon has been observed in individual(s) with primary carnitine deficiency (PMID: 28841266). ClinVar contains an entry for this variant (Variation ID: 1071451). Algorithms developed to predict the effect of variants on protein structure and function are not available or were not evaluated for this variant. Experimental studies have shown that disruption of the initiator codon affects SLC22A5 function (PMID: 15714519). For these reasons, this variant has been classified as Pathogenic.

Literature cited by the submitters: PubMed 28841266 (cited by Labcorp Genetics (formerly Invitae), Labcorp); PubMed 15714519 (cited by Labcorp Genetics (formerly Invitae), Labcorp).